The following is an entry in ClinVar:

ClinVar aggregate classification (germline): Uncertain significance (1 of 4 stars; one submission).

Conditions:
Mucopolysaccharidosis, MPS-IV-A (MPS4A). Also called: Morquio syndrome A, mild; MORQUIO SYNDROME A; GALACTOSAMINE-6-SULFATASE DEFICIENCY; GALNS DEFICIENCY; MORQUIO A DISEASE; Mucopolysaccharidosis type IV A. Identifiers: Orphanet 309297, Orphanet 582, MedGen C0086651, MONDO:0009659, OMIM 253000.

Submission:

Labcorp Genetics (formerly Invitae), Labcorp
Classification: Uncertain significance for Mucopolysaccharidosis, MPS-IV-A. Last evaluated: 2022-02-08. Review status: criteria provided, single submitter. Criteria: Invitae Variant Classification Sherloc (09022015). Collection method: clinical testing. Allele origin: germline.
Comment: This variant disrupts the p.Asn289 amino acid residue in GALNS. Other variant(s) that disrupt this residue have been observed in individuals with GALNS-related conditions (PMID: 20574428, 24726177), which suggests that this may be a clinically significant amino acid residue. In summary, the available evidence is currently insufficient to determine the role of this variant in disease. Therefore, it has been classified as a Variant of Uncertain Significance. Advanced modeling of protein sequence and biophysical properties (such as structural, functional, and spatial information, amino acid conservation, physicochemical variation, residue mobility, and thermodynamic stability) performed at Invitae indicates that this missense variant is expected to disrupt GALNS protein function. This variant has not been reported in the literature in individuals affected with GALNS-related conditions. This variant is not present in population databases (gnomAD no frequency). This sequence change replaces asparagine, which is neutral and polar, with histidine, which is basic and polar, at codon 289 of the GALNS protein (p.Asn289His).

Literature cited by the submitters: PubMed 20574428; PubMed 24726177.

NM_000512.5(GALNS):c.865A>C (p.Asn289His)

Gene: GALNS (galactosamine (N-acetyl)-6-sulfatase; minus strand). Cytogenetic location: 16q24.3.
Variant type: single nucleotide variant.
Coding change: c.865A>C on transcript NM_000512.5 (MANE Select); coding-DNA position 865, A replaced by C.
Protein change: p.Asn289His; replaces asparagine 289 with histidine.
Molecular consequence: missense variant.
Genome position (GRCh38, 1-based): chr16:88,835,246, T>G on the plus strand (A>C on the coding strand, the complement: GALNS is on the minus strand). VCF-style: chr16-88835246-T-G. GRCh37 (hg19) VCF-style: chr16-88901654-T-G.
Other names: c.310A>C, p.Asn104His (NM_001323543.2); c.883A>C, p.Asn295His (NM_001323544.2); short protein forms N295H, N104H, N289H.
Identifiers: ClinVar variation 1412223 (VCV001412223.6), dbSNP rs1314520034, ClinGen allele CA397076052.